The following is an entry in ClinVar:

ClinVar aggregate classification (germline): Uncertain significance. Review status: criteria provided, multiple submitters, no conflicts (2 of 4 stars). 2 submissions from 2 submitters: Uncertain significance (2). Last evaluated 2025-03-31.

Conditions:
Cardiovascular phenotype. Identifiers: MedGen CN230736.
Brugada syndrome 8 (BRGDA8). Identifiers: Orphanet 130, MedGen C2751083, MONDO:0013148, OMIM 613123.

Allele frequency attached by ClinVar (database versions not stated): TOPMed 0.00001.
gnomAD v4.1: 2 of 1,609,300 alleles (0.00012%); highest among the groups gnomAD compares: African/African-American, 0.0013%; no homozygotes.

Submissions (2):

Labcorp Genetics (formerly Invitae), Labcorp
Classification: Uncertain significance for Brugada syndrome 8. Last evaluated: 2025-03-31. Review status: criteria provided, single submitter. Criteria: Invitae Variant Classification Sherloc (09022015). Collection method: clinical testing. Allele origin: germline.
Comment: This sequence change replaces proline, which is neutral and non-polar, with threonine, which is neutral and polar, at codon 884 of the HCN4 protein (p.Pro884Thr). This variant is present in population databases (no rsID available, gnomAD 0.007%). This variant has not been reported in the literature in individuals affected with HCN4-related conditions. ClinVar contains an entry for this variant (Variation ID: 518606). Invitae Evidence Modeling of protein sequence and biophysical properties (such as structural, functional, and spatial information, amino acid conservation, physicochemical variation, residue mobility, and thermodynamic stability) indicates that this missense variant is not expected to disrupt HCN4 protein function with a negative predictive value of 95%. In summary, the available evidence is currently insufficient to determine the role of this variant in disease. Therefore, it has been classified as a Variant of Uncertain Significance.

Ambry Genetics
Classification: Uncertain significance for Cardiovascular phenotype. Last evaluated: 2024-07-11. Review status: criteria provided, single submitter. Criteria: Ambry Variant Classification Scheme 2023. Collection method: clinical testing. Allele origin: germline.
Comment: The p.P884T variant (also known as c.2650C>A), located in coding exon 8 of the HCN4 gene, results from a C to A substitution at nucleotide position 2650. The proline at codon 884 is replaced by threonine, an amino acid with highly similar properties. This amino acid position is well conserved on limited sequence alignment; however, threonine is the reference amino acid in other vertebrate species. In addition, this alteration is predicted to be tolerated by in silico analysis. Since supporting evidence is limited at this time, the clinical significance of this alteration remains unclear.

NM_005477.3(HCN4):c.2650C>A (p.Pro884Thr)

Gene: HCN4 (hyperpolarization activated cyclic nucleotide gated potassium channel 4; minus strand). Cytogenetic location: 15q24.1.
Variant type: single nucleotide variant.
Coding change: c.2650C>A on transcript NM_005477.3 (MANE Select); coding-DNA position 2650, C replaced by A.
Protein change: p.Pro884Thr; replaces proline 884 with threonine.
Molecular consequence: missense variant.
Genome position (GRCh38, 1-based): chr15:73,323,443, G>T on the plus strand (C>A on the coding strand, the complement: HCN4 is on the minus strand). VCF-style: chr15-73323443-G-T. GRCh37 (hg19) VCF-style: chr15-73615784-G-T.
Other names: short protein forms P884T.
Identifiers: ClinVar variation 518606 (VCV000518606.14), dbSNP rs745819208, ClinGen allele CA272664436.